The following is an entry in ClinVar:

ClinVar aggregate classification (germline): Uncertain significance (1 of 4 stars; one submission).

Conditions:
Atelosteogenesis type II (AO2). Also called: NEONATAL OSSEOUS DYSPLASIA I; SLC26A2-Related Atelosteogenesis; Neonatal osseous dysplasia 1. Identifiers: Orphanet 56304, MedGen C1850554, MONDO:0009727, OMIM 256050.
Achondrogenesis, type IB (ACG1B). Also called: Achondrogenesis Type 1B. Identifiers: Orphanet 932, Orphanet 93298, MedGen C0265274, MONDO:0010966, OMIM 600972.
Diastrophic dysplasia (DTD). Also called: Diastrophic dwarfism. Identifiers: Orphanet 628, MedGen C0220726, MONDO:0009107, OMIM 222600.
Multiple epiphyseal dysplasia type 4 (EDM4). Also called: Multiple Epiphyseal Dysplasia, Recessive; MULTIPLE EPIPHYSEAL DYSPLASIA WITH BILAYERED PATELLAE; MULTIPLE EPIPHYSEAL DYSPLASIA WITH CLUBFOOT; MULTIPLE EPIPHYSEAL DYSPLASIA, AUTOSOMAL RECESSIVE; SLC26A2-Related Multiple Epiphyseal Dysplasia. Identifiers: Orphanet 93307, MedGen C1847593, MONDO:0009189, OMIM 226900.

Submission:

Labcorp Genetics (formerly Invitae), Labcorp
Classification: Uncertain significance for Atelosteogenesis type II; Multiple epiphyseal dysplasia type 4; Achondrogenesis, type IB; Diastrophic dysplasia. Last evaluated: 2022-08-12. Review status: criteria provided, single submitter. Criteria: Invitae Variant Classification Sherloc (09022015). Collection method: clinical testing. Allele origin: germline.
Comment: In summary, the available evidence is currently insufficient to determine the role of this variant in disease. Therefore, it has been classified as a Variant of Uncertain Significance. Advanced modeling of protein sequence and biophysical properties (such as structural, functional, and spatial information, amino acid conservation, physicochemical variation, residue mobility, and thermodynamic stability) performed at Invitae indicates that this missense variant is not expected to disrupt SLC26A2 protein function. This variant has not been reported in the literature in individuals affected with SLC26A2-related conditions. This variant is not present in population databases (gnomAD no frequency). This sequence change replaces valine, which is neutral and non-polar, with alanine, which is neutral and non-polar, at codon 562 of the SLC26A2 protein (p.Val562Ala).

NM_000112.4(SLC26A2):c.1685T>C (p.Val562Ala)

Gene: SLC26A2 (solute carrier family 26 member 2; plus strand). Cytogenetic location: 5q32.
Variant type: single nucleotide variant.
Coding change: c.1685T>C on transcript NM_000112.4 (MANE Select); coding-DNA position 1685, T replaced by C.
Protein change: p.Val562Ala; replaces valine 562 with alanine.
Molecular consequence: missense variant.
Genome position (GRCh38, 1-based): chr5:149,981,278, T>C. VCF-style: chr5-149981278-T-C. GRCh37 (hg19) VCF-style: chr5-149360841-T-C.
Other names: short protein forms V562A.
Identifiers: ClinVar variation 1990625 (VCV001990625.4), dbSNP rs2480776716, ClinGen allele CA361708444.